The following is an entry in ClinVar:

NM_000038.6(APC):c.614G>A (p.Gly205Asp)

Gene: APC (APC regulator of Wnt signaling pathway; plus strand). Cytogenetic location: 5q22.2.
Variant type: single nucleotide variant.
Coding change: c.614G>A on transcript NM_000038.6 (MANE Select); coding-DNA position 614, G replaced by A.
Protein change: p.Gly205Asp; replaces glycine 205 with aspartic acid.
Molecular consequence: missense variant. On other transcripts: 5 prime UTR variant (4), non-coding transcript variant (2).
Genome position (GRCh38, 1-based): chr5:112,780,872, G>A. VCF-style: chr5-112780872-G-A. GRCh37 (hg19) VCF-style: chr5-112116569-G-A.
Other names: c.614G>A (NM_000038.5); c.644G>A, p.Gly215Asp (NM_001127511.3, NM_001354897.2, NM_001354902.2 and 1 more transcripts); c.614G>A, p.Gly205Asp (NM_001354895.2, NM_001354896.2, NM_001354899.2 and 16 more transcripts); c.539G>A, p.Gly180Asp (NM_001354898.2, NM_001354904.2, NM_001407451.1); c.437G>A, p.Gly146Asp (NM_001354900.2, NM_001354901.2, NM_001354905.2 and 1 more transcripts); c.-422G>A (NM_001354906.2, NM_001407470.1, NM_001407471.1 and 1 more transcripts); short protein forms G146D, G180D, G205D, G215D.
Identifiers: ClinVar variation 4801439 (VCV004801439.2).
Genomic context (GRCh38, chr5:112,780,872, plus strand): 5'-CCAGAAGGCAATTGGAATATGAAGCAAGGCAAATCAGAGTTGCGATGGAAGAACAACTAG[G>A]TACCTGCCAGGATATGGAAAAACGAGCACAGGTAAGTTACTTGTTTCTAAGTGATAAAAC-3'
Protein context (NP_000029.2, residues 195-215): QIRVAMEEQL[Gly205Asp]TCQDMEKRAQ

ClinVar aggregate classification (germline): Uncertain significance. Review status: criteria provided, multiple submitters, no conflicts (2 of 4 stars). 2 submissions from 2 submitters: Uncertain significance (2). Last evaluated 2026-01-22.

Conditions:
Familial adenomatous polyposis 1 (FAP1). Also called: FAMILIAL ADENOMATOUS POLYPOSIS 1, ATTENUATED; POLYPOSIS, ADENOMATOUS INTESTINAL. Identifiers: MedGen C2713442, MONDO:0021056, OMIM 175100. Disease mechanism: loss of function.
Hereditary cancer-predisposing syndrome. Also called: Neoplastic Syndromes, Hereditary; Hereditary neoplastic syndrome; Tumor predisposition; Hereditary Cancer Syndrome. Identifiers: Orphanet 140162, MedGen C0027672, MeSH D009386, MONDO:0015356.

Submissions (2):

Ambry Genetics
Classification: Uncertain significance for Hereditary cancer-predisposing syndrome. Last evaluated: 2026-01-22. Review status: criteria provided, single submitter. Criteria: Ambry Variant Classification Scheme 2023. Collection method: clinical testing. Allele origin: germline.
Comment: The p.G205D variant (also known as c.614G>A), located in coding exon 5 of the APC gene, results from a G to A substitution at nucleotide position 614. The glycine at codon 205 is replaced by aspartic acid, an amino acid with similar properties. This amino acid position is conserved. In addition, in silico predictors for this gene do not accurately predict pathogenicity. Based on the available evidence, the clinical significance of this variant remains unclear.

Labcorp Genetics (formerly Invitae), Labcorp
Classification: Uncertain significance for Familial adenomatous polyposis 1. Last evaluated: 2025-06-08. Review status: criteria provided, single submitter. Criteria: Invitae Variant Classification Sherloc (09022015). Collection method: clinical testing. Allele origin: germline.
Comment: This sequence change replaces glycine, which is neutral and non-polar, with aspartic acid, which is acidic and polar, at codon 205 of the APC protein (p.Gly205Asp). This variant is not present in population databases (gnomAD no frequency). This variant has not been reported in the literature in individuals affected with APC-related conditions. Invitae Evidence Modeling of protein sequence and biophysical properties (such as structural, functional, and spatial information, amino acid conservation, physicochemical variation, residue mobility, and thermodynamic stability) has been performed for this missense variant. However, the output from this modeling did not meet the statistical confidence thresholds required to predict the impact of this variant on APC protein function. In summary, the available evidence is currently insufficient to determine the role of this variant in disease. Therefore, it has been classified as a Variant of Uncertain Significance.